The following is an entry in ClinVar:

ClinVar aggregate classification (germline): Uncertain significance (1 of 4 stars; one submission).

Submission:

GeneDx
Classification: Uncertain significance. Last evaluated: 2025-06-29. Review status: criteria provided, single submitter. Criteria: GeneDx Variant Classification Process June 2021. Collection method: clinical testing. Allele origin: germline. Affected: yes.
Comment: Not observed at significant frequency in large population cohorts (gnomAD); In silico analysis supports that this missense variant has a deleterious effect on protein structure/function; Has not been previously published as pathogenic or benign to our knowledge

NM_001394062.1(MACF1):c.19291A>C (p.Thr6431Pro)

Gene: MACF1 (microtubule actin crosslinking factor 1; plus strand). Cytogenetic location: 1p34.3.
Variant type: single nucleotide variant.
Coding change: c.19291A>C on transcript NM_001394062.1 (MANE Select); coding-DNA position 19291, A replaced by C.
Protein change: p.Thr6431Pro; replaces threonine 6431 with proline.
Molecular consequence: missense variant.
Genome position (GRCh38, 1-based): chr1:39,442,900, A>C. VCF-style: chr1-39442900-A-C. GRCh37 (hg19) VCF-style: chr1-39908572-A-C.
Other names: c.7369A>C, p.Thr2457Pro (NM_001397473.1); c.13114A>C, p.Thr4372Pro (NM_012090.5); short protein forms T2457P, T4372P, T6431P.
Identifiers: ClinVar variation 4539880 (VCV004539880.1).
Genomic context (GRCh38, chr1:39,442,900, plus strand): 5'-AACCAATGCTGGGAGTCAGTGTTACAGAAAACAGAGGAGAGGGAGCAGCAGCTTCAGTCA[A>C]CTCTGCAGCAGGTACATGTGACATCCAAGTAAGGTAGGAAGAGCTATACAGATAACAGAA-3'
Protein context (NP_001380991.1, residues 6421-6441): TEEREQQLQS[Thr6431Pro]LQQAQGFHSE